The following is an entry in ClinVar:

NM_001206927.2(DNAH8):c.13607T>C (p.Leu4536Pro)

Gene: DNAH8 (dynein axonemal heavy chain 8; plus strand). Cytogenetic location: 6p21.2.
Variant type: single nucleotide variant.
Coding change: c.13607T>C on transcript NM_001206927.2 (MANE Select); coding-DNA position 13607, T replaced by C.
Protein change: p.Leu4536Pro; replaces leucine 4536 with proline.
Molecular consequence: missense variant.
Genome position (GRCh38, 1-based): chr6:39,012,530, T>C. VCF-style: chr6-39012530-T-C. GRCh37 (hg19) VCF-style: chr6-38980306-T-C.
Other names: c.12956T>C, p.Leu4319Pro (NM_001371.4); short protein forms L4536P, L4319P.
Identifiers: ClinVar variation 567333 (VCV000567333.13), dbSNP rs138278528, ClinGen allele CA3791715.

ClinVar aggregate classification (germline): Uncertain significance. Review status: criteria provided, multiple submitters, no conflicts (2 of 4 stars). 3 submissions from 3 submitters: Uncertain significance (3). Last evaluated 2025-01-15.

Conditions:
Primary ciliary dyskinesia. Also called: Ciliary dyskinesia. Identifiers: Orphanet 244, MedGen C0008780, MONDO:0016575, HP:0012265.

Allele frequency attached by ClinVar (database versions not stated): gnomAD exomes 0.00002 and 0.00006; ExAC 0.00007; gnomAD 0.00026 and 0.00030; TOPMed 0.00032; ESP Exome Variant Server 0.00038.
gnomAD v4.1: 67 of 1,613,928 alleles (0.0042%); highest among the groups gnomAD compares: African/African-American, 0.075%; no homozygotes.

Submissions (3):

Ambry Genetics
Classification: Uncertain significance. Last evaluated: 2025-01-15. Review status: criteria provided, single submitter. Criteria: Ambry Variant Classification Scheme 2023. Collection method: clinical testing. Allele origin: germline.

Labcorp Genetics (formerly Invitae), Labcorp
Classification: Uncertain significance for Primary ciliary dyskinesia. Last evaluated: 2024-10-29. Review status: criteria provided, single submitter. Criteria: Invitae Variant Classification Sherloc (09022015). Collection method: clinical testing. Allele origin: germline.
Comment: This sequence change replaces leucine, which is neutral and non-polar, with proline, which is neutral and non-polar, at codon 4536 of the DNAH8 protein (p.Leu4536Pro). This variant is present in population databases (rs138278528, gnomAD 0.09%). This variant has not been reported in the literature in individuals affected with DNAH8-related conditions. ClinVar contains an entry for this variant (Variation ID: 567333). Invitae Evidence Modeling of protein sequence and biophysical properties (such as structural, functional, and spatial information, amino acid conservation, physicochemical variation, residue mobility, and thermodynamic stability) indicates that this missense variant is expected to disrupt DNAH8 protein function with a positive predictive value of 80%. In summary, the available evidence is currently insufficient to determine the role of this variant in disease. Therefore, it has been classified as a Variant of Uncertain Significance.

Breakthrough Genomics
Classification: Uncertain significance. Review status: criteria provided, single submitter. Criteria: ACMG Guidelines, 2015. Collection method: not provided. Allele origin: germline. Inheritance: Autosomal recessive inheritance. Affected: yes.